The following is an entry in ClinVar:

NM_175914.5(HNF4A):c.1348G>A (p.Glu450Lys)

Gene: HNF4A (hepatocyte nuclear factor 4 alpha; plus strand). Cytogenetic location: 20q13.12.
Variant type: single nucleotide variant.
Coding change: c.1348G>A on transcript NM_175914.5 (MANE Select); coding-DNA position 1348, G replaced by A.
Protein change: p.Glu450Lys; replaces glutamic acid 450 with lysine.
Molecular consequence: missense variant.
Genome position (GRCh38, 1-based): chr20:44,429,654, G>A. VCF-style: chr20-44429654-G-A. GRCh37 (hg19) VCF-style: chr20-43058294-G-A.
Other names: c.1414G>A, p.Glu472Lys (NM_000457.6); c.1318G>A, p.Glu440Lys (NM_001030003.3); c.1393G>A, p.Glu465Lys (NM_001258355.2); c.1309G>A, p.Glu437Lys (NM_001287182.2); c.1339G>A, p.Glu447Lys (NM_001287183.2); c.1384G>A, p.Glu462Lys (NM_178849.3); short protein forms E437K, E440K, E447K, E462K, E465K, E472K, E450K.
Identifiers: ClinVar variation 3587268 (VCV003587268.3).
Genomic context (GRCh38, chr20:44,429,654, plus strand): 5'-GCCGTCGCCACAATCGTCAAGCCCCTCTCTGCCATCCCCCAGCCGACCATCACCAAGCAG[G>A]AAGTTATCTAGCAAGCCGCTGGGGCTTGGGGGCTCCACTGGCTCCCCCCAGCCCCCTAAG-3'
Protein context (NP_787110.2, residues 440-452): AIPQPTITKQ[Glu450Lys]VI

ClinVar aggregate classification (germline): Uncertain significance. Review status: criteria provided, multiple submitters, no conflicts (2 of 4 stars). 2 submissions from 2 submitters: Uncertain significance (2). Last evaluated 2024-04-02.

Conditions:
Type 2 diabetes mellitus. Also called: Type II diabetes mellitus. Identifiers: MedGen C0011860, MeSH D003924, MONDO:0005148, OMIM 125853, HP:0005978.
Fanconi renotubular syndrome 4 with maturity-onset diabetes of the young (FRTS4). Also called: FRTS4 WITH MODY. Identifiers: Orphanet 93111, MedGen C4014962, MONDO:0014458, OMIM 616026.
Maturity-onset diabetes of the young type 1. Also called: MILD JUVENILE DIABETES MELLITUS; MODY type 1; Diabetes mellitus MODY type 1; MODY HNF4A related; HNF4A-Related Maturity-Onset Diabetes of the Young Type 1; MODY, type I. Identifiers: Orphanet 552, MedGen C1852093, MONDO:0007452, OMIM 125850. Disease mechanism: loss of function.

gnomAD v4.1: 61 of 1,613,978 alleles (0.0038%); highest among the groups gnomAD compares: Non-Finnish European, 0.0052%; no homozygotes.

Submissions (2):

Fulgent Genetics
Classification: Uncertain significance for Maturity-onset diabetes of the young type 1; Type 2 diabetes mellitus; Fanconi renotubular syndrome 4 with maturity-onset diabetes of the young. Last evaluated: 2024-04-02. Review status: criteria provided, single submitter. Criteria: ACMG Guidelines, 2015. Collection method: clinical testing. Allele origin: germline.

Labcorp Genetics (formerly Invitae), Labcorp
Classification: Uncertain significance. Last evaluated: 2024-02-10. Review status: criteria provided, single submitter. Criteria: Invitae Variant Classification Sherloc (09022015). Collection method: clinical testing. Allele origin: germline.
Comment: This sequence change replaces glutamic acid, which is acidic and polar, with lysine, which is basic and polar, at codon 450 of the HNF4A protein (p.Glu450Lys). This variant is present in population databases (rs748452860, gnomAD 0.0009%). This variant has not been reported in the literature in individuals affected with HNF4A-related conditions. Advanced modeling of protein sequence and biophysical properties (such as structural, functional, and spatial information, amino acid conservation, physicochemical variation, residue mobility, and thermodynamic stability) has been performed at Invitae for this missense variant, however the output from this modeling did not meet the statistical confidence thresholds required to predict the impact of this variant on HNF4A protein function. In summary, the available evidence is currently insufficient to determine the role of this variant in disease. Therefore, it has been classified as a Variant of Uncertain Significance.